The following is an entry in ClinVar:

NM_001161352.2(KCNMA1):c.1A>G (p.Met1Val)

Gene: KCNMA1 (potassium calcium-activated channel subfamily M alpha 1; minus strand). Cytogenetic location: 10q22.3.
Variant type: single nucleotide variant.
Coding change: c.1A>G on transcript NM_001161352.2 (MANE Select); coding-DNA position 1, A replaced by G.
Protein change: p.Met1Val; changes the start codon (methionine 1).
Molecular consequence: missense variant, initiator codon variant.
Genome position (GRCh38, 1-based): chr10:77,637,642, T>C on the plus strand (A>G on the coding strand, the complement: KCNMA1 is on the minus strand). VCF-style: chr10-77637642-T-C. GRCh37 (hg19) VCF-style: chr10-79397400-T-C.
Other names: c.1A>G, p.Met1Val (NM_001271519.2, NM_001271520.2, NM_001271521.2 and 13 more transcripts); short protein forms M1V.
Identifiers: ClinVar variation 2143241 (VCV002143241.5), dbSNP rs1232656132, ClinGen allele CA377412970.

ClinVar aggregate classification (germline): Uncertain significance (1 of 4 stars; one submission).

Conditions:
Generalized epilepsy-paroxysmal dyskinesia syndrome (PNKD3). Also called: Generalized epilepsy and paroxysmal dyskinesia; Paroxysmal nonkinesigenic dyskinesia, 3, with or without generalized epilepsy. Identifiers: Orphanet 79137, MedGen C5574945, MONDO:0012276, OMIM 609446.

Allele frequency attached by ClinVar (database versions not stated): gnomAD exomes below 0.00001; TOPMed below 0.00001.

Submission:

Labcorp Genetics (formerly Invitae), Labcorp
Classification: Uncertain significance for Generalized epilepsy-paroxysmal dyskinesia syndrome. Last evaluated: 2022-04-08. Review status: criteria provided, single submitter. Criteria: Invitae Variant Classification Sherloc (09022015). Collection method: clinical testing. Allele origin: germline.
Comment: This sequence change affects the initiator methionine of the KCNMA1 mRNA. The next in-frame methionine is located at codon 25. This variant is not present in population databases (gnomAD no frequency). Disruption of the initiator codon has been observed in individual(s) with clinical features of generalized epilepsy and paroxysmal dyskinesia (Invitae). Experimental studies and prediction algorithms are not available or were not evaluated, and the functional significance of this variant is currently unknown. In summary, the available evidence is currently insufficient to determine the role of this variant in disease. Therefore, it has been classified as a Variant of Uncertain Significance.